The following is an entry in ClinVar:

NM_001365536.1(SCN9A):c.3818del (p.Thr1272_Leu1273insTer)

Genes: SCN1A-AS1 (SCN1A and SCN9A antisense RNA 1; plus strand), SCN9A (sodium voltage-gated channel alpha subunit 9; minus strand). Cytogenetic location: 2q24.3.
Variant type: Deletion.
Coding change: c.3818del on transcript NM_001365536.1 (MANE Select); coding-DNA position 3818, one base deleted (T; older notation c.3818delT).
Protein change: p.Thr1272_Leu1273insTer.
Molecular consequence: nonsense. On other transcripts: frameshift variant (1).
Genome position (GRCh38, 1-based): chr2:166,233,446, A deleted on the plus strand (T on the coding strand, the reverse complement: SCN9A is on the minus strand); the first of 3 consecutive A bases (chr2:166,233,446-166,233,448); deleting any one gives the same sequence. VCF-style (leftmost placement, unchanged base first): chr2-166233445-TA-T. GRCh37 (hg19) VCF-style: chr2-167089955-TA-T.
Other names: c.3783delT, p.Leu1262Terfs (NM_002977.4).
Identifiers: ClinVar variation 1430446 (VCV001430446.6), dbSNP rs1344477568, ClinGen allele CA537511604.
Genomic context (GRCh38, chr2:166,233,445, plus strand): 5'-TCTCAGTGTCCGAAGGGATTTAATGGGGCCAAGATCTGAGTAGCCAAGAGTGTTTGCCAC[TA>T]AAGTAACCAAAGAAACCTATAAAAATAACATTTTCATTAATTGTGTCAATAAAATGATGA-3'

ClinVar aggregate classification (germline): Pathogenic (1 of 4 stars; one submission).

Conditions:
Generalized epilepsy with febrile seizures plus, type 7 (GEFSP7). Also called: GEFS+, TYPE 7. Identifiers: Orphanet 36387, MedGen C2751778, MONDO:0013470, OMIM 613863.
Neuropathy, hereditary sensory and autonomic, type 2A (HSAN2A). Also called: HSAN IIA; ACROOSTEOLYSIS, GIACCAI TYPE; ACROOSTEOLYSIS, NEUROGENIC; NEUROPATHY, CONGENITAL SENSORY; NEUROPATHY, HEREDITARY SENSORY RADICULAR, AUTOSOMAL RECESSIVE; NEUROPATHY, HEREDITARY SENSORY, TYPE IIA. Identifiers: Orphanet 970, MedGen C2752089, MONDO:0024309, OMIM 201300.

Submission:

Labcorp Genetics (formerly Invitae), Labcorp
Classification: Pathogenic for Neuropathy, hereditary sensory and autonomic, type 2A; Generalized epilepsy with febrile seizures plus, type 7. Last evaluated: 2025-10-30. Review status: criteria provided, single submitter. Criteria: Invitae Variant Classification Sherloc (09022015). Collection method: clinical testing. Allele origin: germline.
Comment: This sequence change creates a premature translational stop signal (p.Leu1262*) in the SCN9A gene. It is expected to result in an absent or disrupted protein product. Loss-of-function variants in SCN9A are known to be pathogenic (PMID: 17470132, 19304393). This variant is present in population databases (no rsID available, gnomAD 0.007%). This variant has not been reported in the literature in individuals affected with SCN9A-related conditions. ClinVar contains an entry for this variant (Variation ID: 1430446). For these reasons, this variant has been classified as Pathogenic.

Literature cited by the submitters: PubMed 17470132; PubMed 19304393.